The following is an entry in ClinVar:

ClinVar aggregate classification (germline): Uncertain significance (1 of 4 stars; one submission).

Submission:

GeneDx
Classification: Uncertain significance. Last evaluated: 2025-02-20. Review status: criteria provided, single submitter. Criteria: GeneDx Variant Classification Process June 2021. Collection method: clinical testing. Allele origin: germline. Affected: yes.
Comment: Not observed at significant frequency in large population cohorts (gnomAD); In silico analysis supports that this missense variant has a deleterious effect on protein structure/function; Has not been previously published as pathogenic or benign to our knowledge

NM_003718.5(CDK13):c.2414G>C (p.Gly805Ala)

Gene: CDK13 (cyclin dependent kinase 13; plus strand). Cytogenetic location: 7p14.1.
Variant type: single nucleotide variant.
Coding change: c.2414G>C on transcript NM_003718.5 (MANE Select); coding-DNA position 2414, G replaced by C.
Protein change: p.Gly805Ala; replaces glycine 805 with alanine.
Molecular consequence: missense variant.
Genome position (GRCh38, 1-based): chr7:40,045,896, G>C. VCF-style: chr7-40045896-G-C. GRCh37 (hg19) VCF-style: chr7-40085495-G-C.
Other names: c.2414G>C, p.Gly805Ala (NM_031267.4); short protein forms G805A.
Identifiers: ClinVar variation 4076780 (VCV004076780.1).